The following is an entry in ClinVar:

ClinVar aggregate classification (germline): Pathogenic/Likely pathogenic. Review status: criteria provided, multiple submitters, no conflicts (2 of 4 stars). 5 submissions from 5 submitters: Pathogenic (3); Likely pathogenic (2). Last evaluated 2026-01-11.

Conditions:
CYP24A1-related disorders.
Hypercalcemia, infantile, 1 (HCINF1). Identifiers: Orphanet 300547, MedGen CN031131, MONDO:0020739, OMIM 143880.

Allele frequency attached by ClinVar (database versions not stated): gnomAD 0.00008 and 0.00009; gnomAD exomes 0.00008 and 0.00007; TOPMed 0.00004; ExAC 0.00005; 1000 Genomes Project 30x 0.00016; 1000 Genomes Project 0.00020.
gnomAD v4.1: 124 of 1,613,714 alleles (0.0077%); highest among the groups gnomAD compares: Non-Finnish European, 0.0089%; no homozygotes.

Submissions (5):

Labcorp Genetics (formerly Invitae), Labcorp
Classification: Pathogenic. Last evaluated: 2026-01-11. Review status: criteria provided, single submitter. Criteria: Invitae Variant Classification Sherloc (09022015). Collection method: clinical testing. Allele origin: germline.
Comment: This sequence change replaces arginine, which is basic and polar, with tryptophan, which is neutral and slightly polar, at codon 159 of the CYP24A1 protein (p.Arg159Trp). This variant is present in population databases (rs202070065, gnomAD 0.01%). This missense change has been observed in individuals with infantile hypercalcemia (PMID: 33099630, 34307984; internal data). ClinVar contains an entry for this variant (Variation ID: 942179). Invitae Evidence Modeling of protein sequence and biophysical properties (such as structural, functional, and spatial information, amino acid conservation, physicochemical variation, residue mobility, and thermodynamic stability) indicates that this missense variant is expected to disrupt CYP24A1 protein function with a positive predictive value of 95%. This variant disrupts the p.Arg159 amino acid residue in CYP24A1. Other variant(s) that disrupt this residue have been observed in individuals with CYP24A1-related conditions (PMID: 21675912, 37358380; internal data), which suggests that this may be a clinically significant amino acid residue. For these reasons, this variant has been classified as Pathogenic.

Rare Kidney Stone Consortium and the Mayo Clinic Hyperoxaluria Center, Mayo Clinic
Classification: Pathogenic for Hypercalcemia, infantile, 1. Last evaluated: 2025-10-03. Review status: criteria provided, single submitter. Criteria: ACMG Guidelines, 2015. Collection method: research. Allele origin: germline. Affected: yes. Observed: 1 variant allele.
Comment: ACMG:PS3, PM1, PM2, PM3, PP3, PP4

3billion
Classification: Likely pathogenic for Hypercalcemia, infantile, 1. Last evaluated: 2024-11-27. Review status: criteria provided, single submitter. Criteria: ACMG Guidelines, 2015. Collection method: clinical testing. Allele origin: germline. Affected: yes.
Comment: The variant is observed at an extremely low frequency in the gnomAD v4.1.0 dataset (total allele frequency: 0.008%). Predicted Consequence/Location: Missense variant In silico tool predictions suggest damaging effect of the variant on gene or gene product [REVEL: 0.67 (>=0.6, sensitivity 0.68 and specificity 0.92); 3Cnet: 0.14 (>=0.6, sensitivity 0.72 and precision 0.9)]. The same nucleotide change resulting in the same amino acid change has been previously reported to be associated with CYP24A1-related disorder (PMID: 33099630).The variant has been reported to be in trans with a pathogenic variant as either compound heterozygous or homozygous in at least one similarly affected unrelated individual (PMID: 33099630). Different missense changes at the same codon (p.Arg159Gln, p.Arg159Pro) have been reported to be associated with CYP24A1-related disorder (ClinVar ID: VCV000029676 /PMID: 21675912, 37358380). Therefore, this variant is classified as Likely pathogenic according to the recommendation of ACMG/AMP guideline.

Fulgent Genetics
Classification: Likely pathogenic for Hypercalcemia, infantile, 1. Last evaluated: 2024-03-26. Review status: criteria provided, single submitter. Criteria: ACMG Guidelines, 2015. Collection method: clinical testing. Allele origin: germline.

Blueprint Genetics
Classification: Pathogenic for CYP24A1-related disorders. Last evaluated: 2023-06-27. Review status: criteria provided, single submitter. Criteria: ACMG Guidelines, 2015. Collection method: clinical testing. Allele origin: germline. Affected: yes. Observed: 5 variant alleles.

Literature cited by the submitters: PubMed 33099630 (cited by 3 submitters); PubMed 34307984 (cited by Labcorp Genetics (formerly Invitae), Labcorp and Rare Kidney Stone Consortium and the Mayo Clinic Hyperoxaluria Center, Mayo Clinic); PubMed 21675912 (cited by Labcorp Genetics (formerly Invitae), Labcorp and 3billion); PubMed 37358380 (cited by Labcorp Genetics (formerly Invitae), Labcorp); PubMed 40794449 (cited by Rare Kidney Stone Consortium and the Mayo Clinic Hyperoxaluria Center, Mayo Clinic).

NM_000782.5(CYP24A1):c.475C>T (p.Arg159Trp)

Gene: CYP24A1 (cytochrome P450 family 24 subfamily A member 1; minus strand). Cytogenetic location: 20q13.2.
Variant type: single nucleotide variant.
Coding change: c.475C>T on transcript NM_000782.5 (MANE Select); coding-DNA position 475, C replaced by T.
Protein change: p.Arg159Trp; replaces arginine 159 with tryptophan.
Molecular consequence: missense variant.
Genome position (GRCh38, 1-based): chr20:54,171,645, G>A on the plus strand (C>T on the coding strand, the complement: CYP24A1 is on the minus strand). VCF-style: chr20-54171645-G-A. GRCh37 (hg19) VCF-style: chr20-52788184-G-A.
Other names: c.475C>T, p.Arg159Trp (NM_001128915.2); short protein forms R159W.
Identifiers: ClinVar variation 942179 (VCV000942179.14), dbSNP rs202070065, ClinGen allele CA9916137.